The following is an entry in ClinVar:

NM_172107.4(KCNQ2):c.426C>T (p.Phe142=)

Gene: KCNQ2 (potassium voltage-gated channel subfamily Q member 2; minus strand). Cytogenetic location: 20q13.33.
Variant type: single nucleotide variant.
Coding change: c.426C>T on transcript NM_172107.4 (MANE Select); coding-DNA position 426, C replaced by T.
Protein change: p.Phe142=; no amino-acid change (phenylalanine 142 retained).
Molecular consequence: synonymous variant.
Genome position (GRCh38, 1-based): chr20:63,445,326, G>A on the plus strand (C>T on the coding strand, the complement: KCNQ2 is on the minus strand). VCF-style: chr20-63445326-G-A. GRCh37 (hg19) VCF-style: chr20-62076679-G-A.
Other names: c.426C>T, p.Phe142= (NM_004518.6, NM_172106.3, NM_172108.5 and 1 more transcripts).
Identifiers: ClinVar variation 380122 (VCV000380122.15), dbSNP rs780770793, ClinGen allele CA9958818.

ClinVar aggregate classification (germline): Likely benign. Review status: criteria provided, multiple submitters, no conflicts (2 of 4 stars). 3 submissions from 3 submitters: Likely benign (3). Last evaluated 2026-04-01.

Conditions:
Early-infantile DEE. Also called: Ohtahara syndrome; Early infantile epileptic encephalopathy with suppression bursts; Early infantile epileptic encephalopathy. Identifiers: Orphanet 1934, MedGen C0393706, MONDO:0800491.

Allele frequency attached by ClinVar (database versions not stated): ExAC 0.00015; gnomAD exomes 0.00015 and 0.00007; 1000 Genomes Project 30x 0.00016; gnomAD 0.00002 and 0.00003.
gnomAD v4.1: 103 of 1,613,872 alleles (0.0064%); highest among the groups gnomAD compares: South Asian, 0.064%; 1 homozygote.

Submissions (3):

CeGaT Center for Human Genetics Tuebingen
Classification: Likely benign. Last evaluated: 2026-04-01. Review status: criteria provided, single submitter. Criteria: CeGaT Center For Human Genetics Tuebingen Variant Classification Criteria Version 2. Collection method: clinical testing. Allele origin: germline. Affected: yes. Observed: 1 variant allele.
Comment: KCNQ2: BP4, BP7

Labcorp Genetics (formerly Invitae), Labcorp
Classification: Likely benign for Early-infantile DEE. Last evaluated: 2025-12-21. Review status: criteria provided, single submitter. Criteria: Invitae Variant Classification Sherloc (09022015). Collection method: clinical testing. Allele origin: germline.

GeneDx
Classification: Likely benign. Last evaluated: 2016-09-15. Review status: criteria provided, single submitter. Criteria: GeneDx Variant Classification (06012015). Collection method: clinical testing. Allele origin: germline. Affected: yes.
Comment: This variant is considered likely benign or benign based on one or more of the following criteria: it is a conservative change, it occurs at a poorly conserved position in the protein, it is predicted to be benign by multiple in silico algorithms, and/or has population frequency not consistent with disease.